The following is an entry in ClinVar:

NM_000135.4(FANCA):c.549G>T (p.Trp183Cys)

Gene: FANCA (FA complementation group A; minus strand). Cytogenetic location: 16q24.3.
Variant type: single nucleotide variant.
Coding change: c.549G>T on transcript NM_000135.4 (MANE Select); coding-DNA position 549, G replaced by T.
Protein change: p.Trp183Cys; replaces tryptophan 183 with cysteine.
Molecular consequence: missense variant.
Genome position (GRCh38, 1-based): chr16:89,808,341, C>A on the plus strand (G>T on the coding strand, the complement: FANCA is on the minus strand). VCF-style: chr16-89808341-C-A. GRCh37 (hg19) VCF-style: chr16-89874749-C-A.
Other names: c.549G>T, p.Trp183Cys (NM_001018112.3, NM_001286167.3); c.453G>T, p.Trp151Cys (NM_001351830.2); short protein forms W151C, W183C.
Identifiers: ClinVar variation 1319245 (VCV001319245.11), dbSNP rs758528624, ClinGen allele CA8252935.
Genomic context (GRCh38, chr16:89,808,341, plus strand): 5'-ATTAGCACGCTACCTTTCCAGCAGCTCTTGCAGGCTCACAATGCCTTGTACGTGAAGATG[C>A]CACACCGCTTCAAGCAACAAAGAACTCTGAAAAACAAAACAAAACAAACAAAAACAAAAA-3'
Protein context (NP_000126.2, residues 173-193): IQSSLLLEAV[Trp183Cys]HLHVQGIVSL

ClinVar aggregate classification (germline): Uncertain significance. Review status: criteria provided, multiple submitters, no conflicts (2 of 4 stars). 5 submissions from 5 submitters: Uncertain significance (5). Last evaluated 2026-02-11.

Conditions:
Fanconi anemia (FA). Also called: Fanconi's anemia. Identifiers: Orphanet 84, MedGen C0015625, MeSH D005199, MONDO:0019391.
Fanconi anemia complementation group A (FANCA). Also called: Fanconi anemia, group A; FANCA-Related Fanconi Anemia. Identifiers: Orphanet 84, MedGen C3469521, MONDO:0009215, OMIM 227650.

Allele frequency attached by ClinVar (database versions not stated): ExAC 0.00001; gnomAD 0.00001; gnomAD exomes 0.00001; TOPMed 0.00001.
gnomAD v4.1: 9 of 1,613,962 alleles (0.00056%); highest among the groups gnomAD compares: Middle Eastern, 0.016%; no homozygotes.

Submissions (5):

St. Jude Molecular Pathology, St. Jude Children's Research Hospital
Classification: Uncertain significance for Fanconi anemia complementation group A. Last evaluated: 2026-02-11. Review status: criteria provided, single submitter. Criteria: St. Jude Assertion Criteria 2020. Collection method: clinical testing. Allele origin: germline.
Comment: The FANCA c.549G>T p.(Trp183Cys) missense change has a maximum subpopulation frequency of 0.002% in gnomAD v2.1.1. The in silico tool REVEL is inconclusive about a pathogenic or benign effect of this variant on protein function, and to our knowledge functional studies have not been performed. To our knowledge, this variant has not been reported in individuals with Fanconi anemia. In summary, the evidence currently available is insufficient to determine the clinical significance of this variant. It has therefore been classified as of uncertain significance.

Blueprint Genetics
Classification: Uncertain significance. Last evaluated: 2024-08-08. Review status: criteria provided, single submitter. Criteria: ACMG Guidelines, 2015. Collection method: clinical testing. Allele origin: germline.

Labcorp Genetics (formerly Invitae), Labcorp
Classification: Uncertain significance for Fanconi anemia. Last evaluated: 2024-04-29. Review status: criteria provided, single submitter. Criteria: Invitae Variant Classification Sherloc (09022015). Collection method: clinical testing. Allele origin: germline.
Comment: This sequence change replaces tryptophan, which is neutral and slightly polar, with cysteine, which is neutral and slightly polar, at codon 183 of the FANCA protein (p.Trp183Cys). This variant is present in population databases (rs758528624, gnomAD 0.002%). This variant has not been reported in the literature in individuals affected with FANCA-related conditions. ClinVar contains an entry for this variant (Variation ID: 1319245). Advanced modeling of protein sequence and biophysical properties (such as structural, functional, and spatial information, amino acid conservation, physicochemical variation, residue mobility, and thermodynamic stability) performed at Invitae indicates that this missense variant is expected to disrupt FANCA protein function with a positive predictive value of 80%. In summary, the available evidence is currently insufficient to determine the role of this variant in disease. Therefore, it has been classified as a Variant of Uncertain Significance.

Fulgent Genetics
Classification: Uncertain significance for Fanconi anemia complementation group A. Last evaluated: 2024-03-26. Review status: criteria provided, single submitter. Criteria: ACMG Guidelines, 2015. Collection method: clinical testing. Allele origin: germline.

Institute for Clinical Genetics, University Hospital TU Dresden, University Hospital TU Dresden
Classification: Uncertain significance. Last evaluated: 2021-11-03. Review status: criteria provided, single submitter. Criteria: ACMG Guidelines, 2015. Collection method: clinical testing. Allele origin: germline.